The following is an entry in ClinVar:

ClinVar aggregate classification (germline): Likely pathogenic (1 of 4 stars; one submission).

Conditions:
Jeune thoracic dystrophy. Also called: Short-rib thoracic dysplasia; Jeune syndrome; Infantile thoracic dystrophy; Thoracic pelvic phalangeal dystrophy; Jeune's syndrome; Chondroectodermal dysplasia-like syndrome. Identifiers: Orphanet 474, MedGen C0265275, MONDO:0018770.

gnomAD v4.1: 1 of 1,550,340 alleles (0.000065%); highest among the groups gnomAD compares: Non-Finnish European, 0.000087%; no homozygotes.

Submission:

Labcorp Genetics (formerly Invitae), Labcorp
Classification: Likely pathogenic for Jeune thoracic dystrophy. Last evaluated: 2025-01-30. Review status: criteria provided, single submitter. Criteria: Invitae Variant Classification Sherloc (09022015). Collection method: clinical testing. Allele origin: germline.
Comment: This sequence change affects a donor splice site in intron 22 of the DYNC2H1 gene. It is expected to disrupt RNA splicing. Variants that disrupt the donor or acceptor splice site typically lead to a loss of protein function (PMID: 16199547), and loss-of-function variants in DYNC2H1 are known to be pathogenic (PMID: 23339108, 32753734, 33755199). This variant is not present in population databases (gnomAD no frequency). This variant has not been reported in the literature in individuals affected with DYNC2H1-related conditions. Algorithms developed to predict the effect of sequence changes on RNA splicing suggest that this variant may disrupt the consensus splice site. In summary, the currently available evidence indicates that the variant is pathogenic, but additional data are needed to prove that conclusively. Therefore, this variant has been classified as Likely Pathogenic.

Literature cited by the submitters: PubMed 16199547; PubMed 23339108; PubMed 32753734; PubMed 33755199.

NM_001377.3(DYNC2H1):c.3302+1G>A

Gene: DYNC2H1 (dynein cytoplasmic 2 heavy chain 1; plus strand). Cytogenetic location: 11q22.3.
Variant type: single nucleotide variant.
Coding change: c.3302+1G>A on transcript NM_001377.3 (MANE Select); the canonical splice donor site of the intron after coding-DNA position 3302, G replaced by A.
Molecular consequence: splice donor variant.
Genome position (GRCh38, 1-based): chr11:103,153,509, G>A. VCF-style: chr11-103153509-G-A. GRCh37 (hg19) VCF-style: chr11-103024238-G-A.
Other names: c.3302+1G>A (NM_001080463.2).
Identifiers: ClinVar variation 4693220 (VCV004693220.1).